The following is an entry in ClinVar:

NC_000006.11:g.(?_5261745)_(5545574_5613401)del

Gene: FARS2 (phenylalanyl-tRNA synthetase 2, mitochondrial; plus strand). Cytogenetic location: 6p25.1.
Variant type: Deletion.
Identifiers: ClinVar variation 2691634 (VCV002691634.1).

ClinVar aggregate classification (germline): Pathogenic (1 of 4 stars; one submission).

Conditions:
FARS2-related disorder. Also called: FARS2-related disorders; FARS2-related condition.

Submission:

Women's Health and Genetics/Laboratory Corporation of America, LabCorp
Classification: Pathogenic for FARS2-Related Disorders. Last evaluated: 2023-12-12. Review status: criteria provided, single submitter. Criteria: LabCorp Variant Classification Summary - May 2015. Collection method: clinical testing. Allele origin: germline.
Comment: Variant summary: The variant involves the deletion of exons 1-5 in the FARS2 gene. A presumed nomenclature of c.(?_-170)_(1065+1_1066-1)del has been designated for the purposes of this classification. The exact breakpoint at the 5' end of this variant is unknown, therefore this deletion may extend upstream of the annotated region of this gene. Although the exact breakpoints of this deletion are not known, it is predicted to remove the initiation codon and result in an absence of protein, a known mechanism of disease, or a truncation of the encoded protein due to translation initiation at a downstream site. The variant was absent in 21694 control chromosomes (gnomAD Structural Variants dataset). c.(?_-170)_(1065+1_1066-1)del has been reported in the literature in at least one individual affected with neuropathy and motor developmental delay, however no second FARS2 variant was identified (e.g., Pennings_2023). To our knowledge, no experimental evidence demonstrating an impact on protein function has been reported. The following publication was ascertained in the context of this evaluation (PMID: 36781956). No submitters have reported clinical-significance assessments for this variant to ClinVar after 2014. Based on the evidence outlined above, the variant was classified as pathogenic.

Literature cited by the submitters: PubMed 36781956.